The following is an entry in ClinVar:

ClinVar aggregate classification (germline): Uncertain significance (1 of 4 stars; one submission).

Conditions:
Hypertrophic cardiomyopathy 26. Also called: Cardiomyopathy, familial hypertrophic, 26. Identifiers: Orphanet 75249, MedGen C4310749, MONDO:0014883, OMIM 617047.
Myofibrillar myopathy 5. Also called: Filaminopathy (type); FILAMINOPATHY, AUTOSOMAL DOMINANT. Identifiers: Orphanet 171445, MedGen C1836050, MONDO:0012289, OMIM 609524.
Distal myopathy with posterior leg and anterior hand involvement. Also called: WILLIAMS DISTAL MYOPATHY. Identifiers: Orphanet 63273, MedGen C3279722, MONDO:0013550, OMIM 614065.

Submission:

Labcorp Genetics (formerly Invitae), Labcorp
Classification: Uncertain significance for Distal myopathy with posterior leg and anterior hand involvement; Myofibrillar myopathy 5; Hypertrophic cardiomyopathy 26. Last evaluated: 2023-11-27. Review status: criteria provided, single submitter. Criteria: Invitae Variant Classification Sherloc (09022015). Collection method: clinical testing. Allele origin: germline.
Comment: This sequence change replaces valine, which is neutral and non-polar, with alanine, which is neutral and non-polar, at codon 2670 of the FLNC protein (p.Val2670Ala). This variant is not present in population databases (gnomAD no frequency). This variant has not been reported in the literature in individuals affected with FLNC-related conditions. Advanced modeling of protein sequence and biophysical properties (such as structural, functional, and spatial information, amino acid conservation, physicochemical variation, residue mobility, and thermodynamic stability) performed at Invitae indicates that this missense variant is not expected to disrupt FLNC protein function with a negative predictive value of 80%. In summary, the available evidence is currently insufficient to determine the role of this variant in disease. Therefore, it has been classified as a Variant of Uncertain Significance.

NM_001458.5(FLNC):c.8009T>C (p.Val2670Ala)

Genes: FLNC (filamin C; plus strand), FLNC-AS1 (FLNC antisense RNA 1; minus strand). Cytogenetic location: 7q32.1.
Variant type: single nucleotide variant.
Coding change: c.8009T>C on transcript NM_001458.5 (MANE Select); coding-DNA position 8009, T replaced by C.
Protein change: p.Val2670Ala; replaces valine 2670 with alanine.
Molecular consequence: missense variant.
Genome position (GRCh38, 1-based): chr7:128,858,354, T>C. VCF-style: chr7-128858354-T-C. GRCh37 (hg19) VCF-style: chr7-128498408-T-C.
Other names: c.7910T>C, p.Val2637Ala (NM_001127487.2); short protein forms V2637A, V2670A.
Identifiers: ClinVar variation 2931437 (VCV002931437.3), dbSNP rs2536673650, ClinGen allele CA369221103.